The following is an entry in ClinVar:

ClinVar aggregate classification (germline): Uncertain significance (1 of 4 stars; one submission).

Allele frequency attached by ClinVar (database versions not stated): gnomAD 0.00002; gnomAD exomes 0.00003; TOPMed 0.00003; ExAC 0.00009.
gnomAD v4.1: 43 of 1,572,316 alleles (0.0027%); highest among the groups gnomAD compares: Admixed American, 0.0056%; no homozygotes.

Submission:

GeneDx
Classification: Uncertain significance. Last evaluated: 2020-02-04. Review status: criteria provided, single submitter. Criteria: GeneDx Variant Classification Process June 2021. Collection method: clinical testing. Allele origin: germline. Affected: yes.
Comment: Has not been previously published as pathogenic or benign to our knowledge; In silico analysis supports that this missense variant has a deleterious effect on protein structure/function

NM_018896.5(CACNA1G):c.1345C>T (p.Arg449Cys)

Gene: CACNA1G (calcium voltage-gated channel subunit alpha1 G; plus strand). Cytogenetic location: 17q21.33.
Variant type: single nucleotide variant.
Coding change: c.1345C>T on transcript NM_018896.5 (MANE Select); coding-DNA position 1345, C replaced by T.
Protein change: p.Arg449Cys; replaces arginine 449 with cysteine.
Molecular consequence: missense variant. On other transcripts: non-coding transcript variant (5).
Genome position (GRCh38, 1-based): chr17:50,575,747, C>T. VCF-style: chr17-50575747-C-T. GRCh37 (hg19) VCF-style: chr17-48653108-C-T.
Other names: c.1345C>T, p.Arg449Cys (NM_001256324.2, NM_001256325.2, NM_001256326.2 and 24 more transcripts); short protein forms R449C.
Identifiers: ClinVar variation 1311572 (VCV001311572.2), dbSNP rs767906351, ClinGen allele CA8652156.